The following is an entry in ClinVar:

NM_015559.3(SETBP1):c.620A>C (p.Lys207Thr)

Gene: SETBP1 (SET binding protein 1; plus strand). Cytogenetic location: 18q12.3.
Variant type: single nucleotide variant.
Coding change: c.620A>C on transcript NM_015559.3 (MANE Select); coding-DNA position 620, A replaced by C.
Protein change: p.Lys207Thr; replaces lysine 207 with threonine.
Molecular consequence: missense variant.
Genome position (GRCh38, 1-based): chr18:44,949,960, A>C. VCF-style: chr18-44949960-A-C. GRCh37 (hg19) VCF-style: chr18-42529925-A-C.
Other names: c.620A>C, p.Lys207Thr (NM_001379142.1, NM_001410862.1, NM_001379141.1); short protein forms K207T.
Identifiers: ClinVar variation 3653770 (VCV003653770.2).

ClinVar aggregate classification (germline): Uncertain significance (1 of 4 stars; one submission).

Submission:

Labcorp Genetics (formerly Invitae), Labcorp
Classification: Uncertain significance. Last evaluated: 2025-04-03. Review status: criteria provided, single submitter. Criteria: Invitae Variant Classification Sherloc (09022015). Collection method: clinical testing. Allele origin: germline.
Comment: This sequence change replaces lysine, which is basic and polar, with threonine, which is neutral and polar, at codon 207 of the SETBP1 protein (p.Lys207Thr). This variant is not present in population databases (gnomAD no frequency). This variant has not been reported in the literature in individuals affected with SETBP1-related conditions. ClinVar contains an entry for this variant (Variation ID: 3653770). Invitae Evidence Modeling of protein sequence and biophysical properties (such as structural, functional, and spatial information, amino acid conservation, physicochemical variation, residue mobility, and thermodynamic stability) has been performed for this missense variant. However, the output from this modeling did not meet the statistical confidence thresholds required to predict the impact of this variant on SETBP1 protein function. In summary, the available evidence is currently insufficient to determine the role of this variant in disease. Therefore, it has been classified as a Variant of Uncertain Significance.